The following is an entry in ClinVar:

ClinVar aggregate classification (germline): Conflicting classifications of pathogenicity. Review status: criteria provided, conflicting classifications (1 of 4 stars). 2 submissions from 2 submitters: Pathogenic (1); Uncertain significance (1). Last evaluated 2025-11-19.

Submissions (2):

GeneDx
Classification: Pathogenic. Last evaluated: 2025-11-19. Review status: criteria provided, single submitter. Criteria: GeneDx Variant Classification Process June 2021. Collection method: clinical testing. Allele origin: germline. Affected: yes.
Comment: Identified in a patient with an early-onset epilepsy syndrome in published literature (PMID: 39570184); Frameshift variant predicted to result in protein truncation or nonsense mediated decay in a gene for which loss-of-function is a known mechanism of disease; Not observed at significant frequency in large population cohorts (gnomAD); This variant is associated with the following publications: (PMID: 33522091, 39570184, 38523675)

Mendelics
Classification: Uncertain significance. Last evaluated: 2022-05-04. Review status: criteria provided, single submitter. Criteria: Mendelics Assertion Criteria 2019. Collection method: clinical testing. Allele origin: germline.

NM_182641.4(BPTF):c.255dup (p.Ser86fs)

Gene: BPTF (bromodomain PHD finger transcription factor; plus strand). Cytogenetic location: 17q24.2.
Variant type: Duplication.
Coding change: c.255dup on transcript NM_182641.4 (MANE Select); coding-DNA position 255, one base duplicated (C; older notation c.255dupC).
Protein change: p.Ser86fs; shifts the reading frame from serine 86.
Molecular consequence: frameshift variant.
Genome position (GRCh38, 1-based): chr17:67,825,979, C duplicated; the last of 8 consecutive C bases (chr17:67,825,972-67,825,979); duplicating any one gives the same sequence. VCF-style (leftmost placement, unchanged base first): chr17-67825971-G-GC. GRCh37 (hg19) VCF-style: chr17-65822087-G-GC.
Other names: c.255dup, p.Ser86fs (NM_004459.7); c.255dupC (NM_004459.6); short protein forms S86fs.
Identifiers: ClinVar variation 817433 (VCV000817433.6), dbSNP rs1598050118, ClinGen allele CA627315518.
Genomic context (GRCh38, chr17:67,825,971, plus strand): 5'-CGGCTGAGCTCGCCCAGGGGGGGCAGCAGTAGCCGGAGGAAGCCGCCGCCGCCGCCGCCG[G>GC]CCCCCCCCAGCACCAGCGCCCCGGGCCGGGGGGGGCGAGGAGGCGGGGGCGGCAGGACGG-3'